The following is an entry in ClinVar:

NM_001039141.3(TRIOBP):c.2506dup (p.Thr836fs)

Gene: TRIOBP (TRIO and F-actin binding protein; plus strand). Cytogenetic location: 22q13.1.
Variant type: Duplication.
Coding change: c.2506dup on transcript NM_001039141.3 (MANE Select); coding-DNA position 2506, one base duplicated (A; older notation c.2506dupA).
Protein change: p.Thr836fs; shifts the reading frame from threonine 836.
Molecular consequence: frameshift variant.
Genome position (GRCh38, 1-based): chr22:37,725,062, A duplicated; the last of 4 consecutive A bases (chr22:37,725,059-37,725,062); duplicating any one gives the same sequence. VCF-style (leftmost placement, unchanged base first): chr22-37725058-T-TA. GRCh37 (hg19) VCF-style: chr22-38121065-T-TA.
Other names: short protein forms T836fs.
Identifiers: ClinVar variation 4074736 (VCV004074736.1).
Genomic context (GRCh38, chr22:37,725,058, plus strand): 5'-CCCCAGAACTTGTATTCAACAGAACATCCCCAGATCATCTTCTACCCAACAAGACAACCC[T>TA]AAAACCTCTTGTACCAAACGAGATAACCTCAGACCCACTTGTACACAGCGGGACCGCACA-3'

ClinVar aggregate classification (germline): Likely pathogenic (1 of 4 stars; one submission).

Conditions:
Autosomal recessive nonsyndromic hearing loss 28. Identifiers: Orphanet 90636, MedGen C1853276, MONDO:0012355, OMIM 609823.

Submission:

Institute of Immunology and Genetics Kaiserslautern
Classification: Likely pathogenic for Autosomal recessive nonsyndromic hearing loss 28. Last evaluated: 2025-05-07. Review status: criteria provided, single submitter. Criteria: ACMG Guidelines, 2015. Collection method: clinical testing. Allele origin: germline. Affected: yes.
Comment: ACMG Criteria: PVS1; PM2; Variant was found in heterozygous state